The following is an entry in ClinVar:

NM_001114753.3(ENG):c.273G>T (p.Trp91Cys)

Gene: ENG (endoglin; minus strand). Cytogenetic location: 9q34.11.
Variant type: single nucleotide variant.
Coding change: c.273G>T on transcript NM_001114753.3 (MANE Select); coding-DNA position 273, G replaced by T.
Protein change: p.Trp91Cys; replaces tryptophan 91 with cysteine.
Molecular consequence: missense variant. On other transcripts: 5 prime UTR variant (1).
Genome position (GRCh38, 1-based): chr9:127,829,774, C>A on the plus strand (G>T on the coding strand, the complement: ENG is on the minus strand). VCF-style: chr9-127829774-C-A. GRCh37 (hg19) VCF-style: chr9-130592053-C-A.
Other names: c.273G>T, p.Trp91Cys (NM_000118.4, NM_001406715.1); c.-274G>T (NM_001278138.2); short protein forms W91C.
Identifiers: ClinVar variation 4827227 (VCV004827227.1).

ClinVar aggregate classification (germline): Uncertain significance (1 of 4 stars; one submission).

Conditions:
Cardiovascular phenotype. Identifiers: MedGen CN230736.

Submission:

Ambry Genetics
Classification: Uncertain significance for Cardiovascular phenotype. Last evaluated: 2026-02-24. Review status: criteria provided, single submitter. Criteria: Ambry Variant Classification Scheme 2023. Collection method: clinical testing. Allele origin: germline.
Comment: The p.W91C variant (also known as c.273G>T), located in coding exon 3 of the ENG gene, results from a G to T substitution at nucleotide position 273. The tryptophan at codon 91 is replaced by cysteine, an amino acid with highly dissimilar properties. This amino acid position is conserved. In addition, this alteration is predicted to be tolerated by in silico analysis. Based on the available evidence, the clinical significance of this variant remains unclear.